The following is an entry in ClinVar:

NM_032409.3(PINK1):c.*532G>A

Genes: PINK1 (PTEN induced kinase 1; plus strand), PINK1-AS (PINK1 antisense RNA; minus strand). Cytogenetic location: 1p36.12.
Variant type: single nucleotide variant.
Coding change: c.*532G>A on transcript NM_032409.3 (MANE Select); 532 bases downstream of the stop codon, G replaced by A.
Molecular consequence: 3 prime UTR variant. On other transcripts: non-coding transcript variant (1).
Genome position (GRCh38, 1-based): chr1:20,651,223, G>A. VCF-style: chr1-20651223-G-A. GRCh37 (hg19) VCF-style: chr1-20977716-G-A.
Identifiers: ClinVar variation 295022 (VCV000295022.6), dbSNP rs190393061, ClinGen allele CA10608878.
Genomic context (GRCh38, chr1:20,651,223, plus strand): 5'-GTTCTGGACCAGCTACTGAATTATTAATCTCACTTAGCGAAAGTGACGGATGAGCAGTAA[G>A]TAAGTAAGTGTGGGGATTTAAACTTGAGGGTTTCCCTCCTGACTAGCCTCTCTTACAGGA-3'

ClinVar aggregate classification (germline): Likely benign (1 of 4 stars; one submission).

Conditions:
Autosomal recessive early-onset Parkinson disease 6 (PARK6). Also called: PARKINSON DISEASE 6, EARLY-ONSET; PINK1 Type of Young-Onset Parkinson Disease; PINK1-Related Parkinson Disease; PARKINSON DISEASE 6, MODIFIER OF. Identifiers: Orphanet 2828, MedGen C1853833, MONDO:0011613, OMIM 605909.

Allele frequency attached by ClinVar (database versions not stated): gnomAD 0.00050 and 0.00089; TOPMed 0.00076; gnomAD exomes 0.00178; 1000 Genomes Project 30x 0.00531; 1000 Genomes Project 0.00599.
gnomAD v4.1: 175 of 177,200 alleles (0.099%); highest among the groups gnomAD compares: East Asian, 1.9%; no homozygotes.

Submission:

Illumina Laboratory Services, Illumina
Classification: Likely benign for Autosomal recessive early-onset Parkinson disease 6. Last evaluated: 2018-01-12. Review status: criteria provided, single submitter. Criteria: ICSL Variant Classification Criteria 13 December 2019. Collection method: clinical testing. Allele origin: germline.
Comment: This variant was observed in the ICSL laboratory as part of a predisposition screen in an ostensibly healthy population. It had not been previously curated by ICSL or reported in the Human Gene Mutation Database (HGMD: prior to June 1st, 2018), and was therefore a candidate for classification through an automated scoring system. Utilizing variant allele frequency, disease prevalence and penetrance estimates, and inheritance mode, an automated score was calculated to assess if this variant is too frequent to cause the disease. Based on the score and internal cut-off values, a variant classified as likely benign is not then subjected to further curation. The score for this variant resulted in a classification of likely benign for this disease.